The following is an entry in ClinVar:

ClinVar aggregate classification (germline): Uncertain significance (1 of 4 stars; one submission).

Conditions:
Myofibrillar myopathy 5. Also called: Filaminopathy (type); FILAMINOPATHY, AUTOSOMAL DOMINANT. Identifiers: Orphanet 171445, MedGen C1836050, MONDO:0012289, OMIM 609524.
Distal myopathy with posterior leg and anterior hand involvement. Also called: WILLIAMS DISTAL MYOPATHY. Identifiers: Orphanet 63273, MedGen C3279722, MONDO:0013550, OMIM 614065.
Hypertrophic cardiomyopathy 26. Also called: Cardiomyopathy, familial hypertrophic, 26. Identifiers: Orphanet 75249, MedGen C4310749, MONDO:0014883, OMIM 617047.

Submission:

Labcorp Genetics (formerly Invitae), Labcorp
Classification: Uncertain significance for Distal myopathy with posterior leg and anterior hand involvement; Myofibrillar myopathy 5; Hypertrophic cardiomyopathy 26. Last evaluated: 2023-05-22. Review status: criteria provided, single submitter. Criteria: Invitae Variant Classification Sherloc (09022015). Collection method: clinical testing. Allele origin: germline.
Comment: In summary, the available evidence is currently insufficient to determine the role of this variant in disease. Therefore, it has been classified as a Variant of Uncertain Significance. ClinVar contains an entry for this variant (Variation ID: 1378505). Advanced modeling of protein sequence and biophysical properties (such as structural, functional, and spatial information, amino acid conservation, physicochemical variation, residue mobility, and thermodynamic stability) has been performed at Invitae for this missense variant, however the output from this modeling did not meet the statistical confidence thresholds required to predict the impact of this variant on FLNC protein function. This sequence change replaces asparagine, which is neutral and polar, with serine, which is neutral and polar, at codon 1132 of the FLNC protein (p.Asn1132Ser). This variant is not present in population databases (gnomAD no frequency). This variant has not been reported in the literature in individuals affected with FLNC-related conditions.

NM_001458.5(FLNC):c.3395A>G (p.Asn1132Ser)

Gene: FLNC (filamin C; plus strand). Cytogenetic location: 7q32.1.
Variant type: single nucleotide variant.
Coding change: c.3395A>G on transcript NM_001458.5 (MANE Select); coding-DNA position 3395, A replaced by G.
Protein change: p.Asn1132Ser; replaces asparagine 1132 with serine.
Molecular consequence: missense variant.
Genome position (GRCh38, 1-based): chr7:128,844,860, A>G. VCF-style: chr7-128844860-A-G. GRCh37 (hg19) VCF-style: chr7-128484914-A-G.
Other names: c.3395A>G, p.Asn1132Ser (NM_001127487.2); short protein forms N1132S.
Identifiers: ClinVar variation 1378505 (VCV001378505.6), dbSNP rs2128936421, ClinGen allele CA369196729.